The following is an entry in ClinVar:

ClinVar aggregate classification (germline): Uncertain significance (1 of 4 stars; one submission).

Allele frequency attached by ClinVar (database versions not stated): gnomAD 0.00001; TOPMed 0.00001; gnomAD exomes below 0.00001.
gnomAD v4.1: 2 of 1,613,652 alleles (0.00012%); highest among the groups gnomAD compares: African/African-American, 0.0013%; no homozygotes.

Submission:

Labcorp Genetics (formerly Invitae), Labcorp
Classification: Uncertain significance. Last evaluated: 2026-01-04. Review status: criteria provided, single submitter. Criteria: Invitae Variant Classification Sherloc (09022015). Collection method: clinical testing. Allele origin: germline.
Comment: This sequence change replaces isoleucine, which is neutral and non-polar, with threonine, which is neutral and polar, at codon 398 of the MBD4 protein (p.Ile398Thr). This variant is present in population databases (no rsID available, gnomAD 0.007%). This variant has not been reported in the literature in individuals affected with MBD4-related conditions. ClinVar contains an entry for this variant (Variation ID: 2781010). An algorithm developed to predict the effect of missense changes on protein structure and function outputs the following: PolyPhen-2: "Benign". The threonine amino acid residue is found in multiple mammalian species, which suggests that this missense change does not adversely affect protein function. In summary, the available evidence is currently insufficient to determine the role of this variant in disease. Therefore, it has been classified as a Variant of Uncertain Significance.

NM_001276270.2(MBD4):c.1183+10T>C

Gene: MBD4 (methyl-CpG binding domain 4, DNA glycosylase; minus strand). Cytogenetic location: 3q21.3.
Variant type: single nucleotide variant.
Coding change: c.1183+10T>C on transcript NM_001276270.2 (MANE Select); 10 bases into the intron after coding-DNA position 1183, T replaced by C.
Molecular consequence: intron variant. On other transcripts: missense variant (3).
Genome position (GRCh38, 1-based): chr3:129,436,451, A>G on the plus strand (T>C on the coding strand, the complement: MBD4 is on the minus strand). VCF-style: chr3-129436451-A-G. GRCh37 (hg19) VCF-style: chr3-129155294-A-G.
Other names: c.1193T>C, p.Ile398Thr (NM_001276271.2, NM_001276272.2, NM_003925.3); c.247+1357T>C (NM_001276273.2); short protein forms I398T.
Identifiers: ClinVar variation 2781010 (VCV002781010.3), dbSNP rs1188109970, ClinGen allele CA354466339.